The following is an entry in ClinVar:

NM_015102.5(NPHP4):c.750dup (p.Ser251fs)

Gene: NPHP4 (nephrocystin 4; minus strand). Cytogenetic location: 1p36.31.
Variant type: Duplication.
Coding change: c.750dup on transcript NM_015102.5 (MANE Select); coding-DNA position 750, one base duplicated (C; older notation c.750dupC).
Protein change: p.Ser251fs; shifts the reading frame from serine 251.
Molecular consequence: frameshift variant. On other transcripts: 5 prime UTR variant (1), non-coding transcript variant (1), intron variant (1).
Genome position (GRCh38, 1-based): chr1:5,952,760, G duplicated on the plus strand (C on the coding strand, the reverse complement: NPHP4 is on the minus strand); the first of 4 consecutive G bases (chr1:5,952,760-5,952,763); duplicating any one gives the same sequence. VCF-style (leftmost placement, unchanged base first): chr1-5952759-A-AG. GRCh37 (hg19) VCF-style: chr1-6012819-A-AG.
Other names: c.-617dup (NM_001291594.2); c.-556-4512dup (NM_001291593.2); short protein forms S251fs.
Identifiers: ClinVar variation 829848 (VCV000829848.7), dbSNP rs754862360, ClinGen allele CA915941105.

ClinVar aggregate classification (germline): Pathogenic. Review status: criteria provided, multiple submitters, no conflicts (2 of 4 stars). 4 submissions from 4 submitters: Pathogenic (3). 1 of the submissions does not count toward it. Last evaluated 2025-08-04.

Conditions:
Nephronophthisis. Also called: Juvenile Nephronophthisis. Identifiers: Orphanet 655, MedGen C0687120, MONDO:0019005, HP:0000090.
Nephronophthisis 4 (NPHP4). Also called: NEPHRONOPHTHISIS 4, JUVENILE. Identifiers: Orphanet 655, MedGen C1847013, MONDO:0011752, OMIM 606966.

Submissions (4):

Dasa
Classification: Pathogenic. Last evaluated: 2025-08-04. Review status: criteria provided, single submitter. Criteria: DASA Assertion Criteria. Collection method: clinical testing. Allele origin: germline.
Comment: NM_015102.5(NPHP4):c.750dup (p.Ser251Leufs*6) introduces a premature termination codon predicted to result in loss of normal protein function. Loss-of-function is an established mechanism of disease for this gene. This variant has been reported in an affected individual with related phenotype in a genotype context consistent with recessive disease (PMID: 23559409). The variant is present at low frequency in population datasets. Based on the available data, this variant is classified as pathogenic.

Labcorp Genetics (formerly Invitae), Labcorp
Classification: Pathogenic for Nephronophthisis. Last evaluated: 2025-01-27. Review status: criteria provided, single submitter. Criteria: Invitae Variant Classification Sherloc (09022015). Collection method: clinical testing. Allele origin: germline.
Comment: This sequence change creates a premature translational stop signal (p.Ser251Leufs*6) in the NPHP4 gene. It is expected to result in an absent or disrupted protein product. Loss-of-function variants in NPHP4 are known to be pathogenic (PMID: 12205563, 23559409). This variant is not present in population databases (gnomAD no frequency). This premature translational stop signal has been observed in individual(s) with NPHP4-related conditions (PMID: 23559409). ClinVar contains an entry for this variant (Variation ID: 829848). For these reasons, this variant has been classified as Pathogenic.

MVZ Medizinische Genetik Mainz
Classification: Pathogenic for Nephronophthisis 4. Last evaluated: 2024-10-24. Review status: criteria provided, single submitter. Criteria: UK Practice Guidelines For Variant Classification V4 01 2020. Collection method: clinical testing. Allele origin: germline. Inheritance: Autosomal recessive inheritance. Affected: yes. Observed: 1 variant allele.
Comment: ACMG Criteria: PVS1,PM2_SUP,PP4

Bioscientia Institut fuer Medizinische Diagnostik GmbH, Sonic Healthcare
Classification: Pathogenic for Nephronophthisis 4. Last evaluated: 2019-05-28. Review status: no assertion criteria provided. Collection method: clinical testing. Allele origin: germline. Affected: yes. Not counted in ClinVar's aggregate classification.

Literature cited by the submitters: PubMed 23559409 (cited by Dasa and Labcorp Genetics (formerly Invitae), Labcorp); PubMed 12205563 (cited by Labcorp Genetics (formerly Invitae), Labcorp).